The following is an entry in ClinVar:

NM_001001331.4(ATP2B2):c.3212G>A (p.Gly1071Glu)

Gene: ATP2B2 (ATPase plasma membrane Ca2+ transporting 2; minus strand). Cytogenetic location: 3p25.3.
Variant type: single nucleotide variant.
Coding change: c.3212G>A on transcript NM_001001331.4 (MANE Select); coding-DNA position 3212, G replaced by A.
Protein change: p.Gly1071Glu; replaces glycine 1071 with glutamic acid.
Molecular consequence: missense variant.
Genome position (GRCh38, 1-based): chr3:10,340,267, C>T on the plus strand (G>A on the coding strand, the complement: ATP2B2 is on the minus strand). VCF-style: chr3-10340267-C-T. GRCh37 (hg19) VCF-style: chr3-10381951-C-T.
Other names: c.3077G>A, p.Gly1026Glu (NM_001330611.3, NM_001353564.1, NM_001363862.1 and 1 more transcripts); short protein forms G1026E, G1071E.
Identifiers: ClinVar variation 3708646 (VCV003708646.2).

ClinVar aggregate classification (germline): Uncertain significance (1 of 4 stars; one submission).

Submission:

Labcorp Genetics (formerly Invitae), Labcorp
Classification: Uncertain significance. Last evaluated: 2025-10-08. Review status: criteria provided, single submitter. Criteria: Invitae Variant Classification Sherloc (09022015). Collection method: clinical testing. Allele origin: germline.
Comment: This sequence change replaces glycine, which is neutral and non-polar, with glutamic acid, which is acidic and polar, at codon 1026 of the ATP2B2 protein (p.Gly1026Glu). This variant is not present in population databases (gnomAD no frequency). This variant has not been reported in the literature in individuals affected with ATP2B2-related conditions. ClinVar contains an entry for this variant (Variation ID: 3708646). Invitae Evidence Modeling of protein sequence and biophysical properties (such as structural, functional, and spatial information, amino acid conservation, physicochemical variation, residue mobility, and thermodynamic stability) indicates that this missense variant is expected to disrupt ATP2B2 protein function with a positive predictive value of 80%. In summary, the available evidence is currently insufficient to determine the role of this variant in disease. Therefore, it has been classified as a Variant of Uncertain Significance.